The following is an entry in ClinVar:

ClinVar aggregate classification (germline): Pathogenic/Likely pathogenic. Review status: criteria provided, multiple submitters, no conflicts (2 of 4 stars). 3 submissions from 3 submitters: Pathogenic (2); Likely pathogenic (1). Last evaluated 2026-05-01.

Conditions:
Spastic paraplegia. Identifiers: MedGen C0037772, HP:0001258.
L1 syndrome. Identifiers: Orphanet 275543, MedGen C5779710, MONDO:0017140.

Submissions (3):

Victorian Clinical Genetics Services, Murdoch Childrens Research Institute
Classification: Pathogenic for L1 syndrome. Last evaluated: 2026-05-01. Review status: criteria provided, single submitter. Criteria: ACMG Guidelines, 2015. Collection method: clinical testing. Allele origin: germline. Affected: yes.
Comment: This variant is classified as Pathogenic. Evidence in support of pathogenic classification: Variant is absent from gnomAD (v2, v3 and v4); This variant has moderate previous evidence of pathogenicity in unrelated individuals. This variant has been classified as likely pathogenic/pathogenic in ClinVar by two clinical laboratories and reported in an individual with L1 syndrome (PMID: 9300653, PMID: 10469653); This variant has moderate functional evidence supporting abnormal protein function. Functional studies showed a decrease in homophilic binding capacity compared to wildtype (PMID: 10469653); Another missense variant comparable to the one identified in this case has moderate previous evidence for pathogenicity. The p.(Pro333Leu) variant has been classified as likely pathogenic/pathogenic in ClinVar by two clinical laboratories and reported in individuals with L1 syndrome (PMID: 30365056, PMID: 28781826); Missense variant predicted to be damaging by in silico tool(s) or highly conserved with a major amino acid change. Additional information: Variant is predicted to result in a missense amino acid change from Pro to Arg; This variant is heterozygous; This gene is associated with X-linked recessive disease. Females with heterozygous pathogenic variants may be affected due to skewed X-inactivation (PMID: 38480026, PMID: 8062435); Alternative amino acid change(s) at the same position are present in gnomAD (v4: 1 heterozygote(s), 0 homozygote(s)); Variant is located in the annotated fourth immunoglobulin-like domain (Ig4; PMID: 30365056); Loss of function is a known mechanism of disease in this gene and is associated with L1 syndrome (MONDO:0017140); Variants in this gene are known to have variable expressivity. Both interfamilial and intrafamilial variability have been reported (PMID: 7562969, PMID:16650080).

GeneDx
Classification: Pathogenic. Last evaluated: 2025-09-09. Review status: criteria provided, single submitter. Criteria: GeneDx Variant Classification Process June 2021. Collection method: clinical testing. Allele origin: germline. Affected: yes.
Comment: Has been reported in association with L1CAM-related L1 syndrome in published literature (PMID: 10469653); Published functional studies demonstrate a damaging effect with P333R resulting in decreased homophilic binding capacity compared to wildtype (PMID: 10469653); In silico analysis supports that this missense variant has a deleterious effect on protein structure/function; Not observed at significant frequency in large population cohorts (gnomAD); This variant is associated with the following publications: (PMID: 11772994, 25641508, 10469653, 9300653)

Labcorp Genetics (formerly Invitae), Labcorp
Classification: Likely pathogenic for Spastic paraplegia. Last evaluated: 2022-06-30. Review status: criteria provided, single submitter. Criteria: Invitae Variant Classification Sherloc (09022015). Collection method: clinical testing. Allele origin: germline.
Comment: In summary, the currently available evidence indicates that the variant is pathogenic, but additional data are needed to prove that conclusively. Therefore, this variant has been classified as Likely Pathogenic. This variant disrupts the p.Pro333 amino acid residue in L1CAM. Other variant(s) that disrupt this residue have been observed in individuals with L1CAM-related conditions (PMID: 28781826, 30365056), which suggests that this may be a clinically significant amino acid residue. Experimental studies have shown that this missense change affects L1CAM function (PMID: 10469653). Advanced modeling of protein sequence and biophysical properties (such as structural, functional, and spatial information, amino acid conservation, physicochemical variation, residue mobility, and thermodynamic stability) performed at Invitae indicates that this missense variant is expected to disrupt L1CAM protein function. ClinVar contains an entry for this variant (Variation ID: 418277). This missense change has been observed in individuals with L1CAM-related conditions (PMID: 9300653, 10469653; external communication). This variant is not present in population databases (gnomAD no frequency). This sequence change replaces proline, which is neutral and non-polar, with arginine, which is basic and polar, at codon 333 of the L1CAM protein (p.Pro333Arg).

Literature cited by the submitters: PubMed 8062435 (cited by Victorian Clinical Genetics Services, Murdoch Childrens Research Institute); PubMed 30365056 (cited by Victorian Clinical Genetics Services, Murdoch Childrens Research Institute and Labcorp Genetics (formerly Invitae), Labcorp); PubMed 9300653 (cited by Victorian Clinical Genetics Services, Murdoch Childrens Research Institute and Labcorp Genetics (formerly Invitae), Labcorp); PubMed 10469653 (cited by Victorian Clinical Genetics Services, Murdoch Childrens Research Institute and Labcorp Genetics (formerly Invitae), Labcorp); PubMed 7562969 (cited by Victorian Clinical Genetics Services, Murdoch Childrens Research Institute); PubMed 16650080 (cited by Victorian Clinical Genetics Services, Murdoch Childrens Research Institute); PubMed 38480026 (cited by Victorian Clinical Genetics Services, Murdoch Childrens Research Institute); PubMed 28781826 (cited by Victorian Clinical Genetics Services, Murdoch Childrens Research Institute and Labcorp Genetics (formerly Invitae), Labcorp).

NM_001278116.2(L1CAM):c.998C>G (p.Pro333Arg)

Gene: L1CAM (L1 cell adhesion molecule; minus strand). Cytogenetic location: Xq28.
Variant type: single nucleotide variant.
Coding change: c.998C>G on transcript NM_001278116.2 (MANE Select); coding-DNA position 998, C replaced by G.
Protein change: p.Pro333Arg; replaces proline 333 with arginine.
Molecular consequence: missense variant.
Genome position (GRCh38, 1-based): chrX:153,869,928, G>C on the plus strand (C>G on the coding strand, the complement: L1CAM is on the minus strand). VCF-style: chrX-153869928-G-C. GRCh37 (hg19) VCF-style: chrX-153135383-G-C.
Other names: c.998C>G, p.Pro333Arg (NM_000425.5, NM_024003.3); c.983C>G, p.Pro328Arg (NM_001143963.2); short protein forms P333R, P328R.
Identifiers: ClinVar variation 418277 (VCV000418277.8), dbSNP rs1064793162, ClinGen allele CA16621236.